The following is an entry in ClinVar:

ClinVar aggregate classification (germline): Uncertain significance (1 of 4 stars; one submission).

Submission:

Labcorp Genetics (formerly Invitae), Labcorp
Classification: Uncertain significance. Last evaluated: 2022-03-04. Review status: criteria provided, single submitter. Criteria: Invitae Variant Classification Sherloc (09022015). Collection method: clinical testing. Allele origin: germline.
Comment: This sequence change replaces serine, which is neutral and polar, with alanine, which is neutral and non-polar, at codon 1025 of the COL18A1 protein (p.Ser1025Ala). In summary, the available evidence is currently insufficient to determine the role of this variant in disease. Therefore, it has been classified as a Variant of Uncertain Significance. Experimental studies and prediction algorithms are not available or were not evaluated, and the functional significance of this variant is currently unknown. This variant has not been reported in the literature in individuals affected with COL18A1-related conditions. This variant is not present in population databases (gnomAD no frequency).

NM_001379500.1(COL18A1):c.3082T>G (p.Ser1028Ala)

Genes: COL18A1 (collagen type XVIII alpha 1 chain; plus strand), SLC19A1 (solute carrier family 19 member 1; minus strand). Cytogenetic location: 21q22.3.
Variant type: single nucleotide variant.
Coding change: c.3082T>G on transcript NM_001379500.1 (MANE Select); coding-DNA position 3082, T replaced by G.
Protein change: p.Ser1028Ala; replaces serine 1028 with alanine.
Molecular consequence: missense variant.
Genome position (GRCh38, 1-based): chr21:45,505,426, T>G. VCF-style: chr21-45505426-T-G. GRCh37 (hg19) VCF-style: chr21-46925340-T-G.
Other names: c.3613T>G, p.Ser1205Ala (NM_030582.4); c.4318T>G, p.Ser1440Ala (NM_130444.3); short protein forms S1440A, S1205A, S1028A.
Identifiers: ClinVar variation 2105877 (VCV002105877.4), dbSNP rs2517795243, ClinGen allele CA410499793.